The following is an entry in ClinVar:

ClinVar aggregate classification (germline): Uncertain significance. Review status: criteria provided, multiple submitters, no conflicts (2 of 4 stars). 2 submissions from 2 submitters: Uncertain significance (2). Last evaluated 2025-02-19.

Allele frequency attached by ClinVar (database versions not stated): ExAC 0.00001; gnomAD exomes 0.00001; gnomAD 0.00002; TOPMed 0.00002; ESP Exome Variant Server 0.00008; 1000 Genomes Project 30x 0.00016; 1000 Genomes Project 0.00020.
gnomAD v4.1: 22 of 1,614,196 alleles (0.0014%); highest among the groups gnomAD compares: Admixed American, 0.0067%; no homozygotes.

Submissions (2):

Labcorp Genetics (formerly Invitae), Labcorp
Classification: Uncertain significance. Last evaluated: 2025-02-19. Review status: criteria provided, single submitter. Criteria: Invitae Variant Classification Sherloc (09022015). Collection method: clinical testing. Allele origin: germline.
Comment: This sequence change replaces lysine, which is basic and polar, with arginine, which is basic and polar, at codon 1633 of the IGSF10 protein (p.Lys1633Arg). This variant is present in population databases (rs187220467, gnomAD 0.006%). This variant has not been reported in the literature in individuals affected with IGSF10-related conditions. ClinVar contains an entry for this variant (Variation ID: 2272014). An algorithm developed to predict the effect of missense changes on protein structure and function (PolyPhen-2) suggests that this variant is likely to be tolerated. In summary, the available evidence is currently insufficient to determine the role of this variant in disease. Therefore, it has been classified as a Variant of Uncertain Significance.

Ambry Genetics
Classification: Uncertain significance. Last evaluated: 2022-01-18. Review status: criteria provided, single submitter. Criteria: Ambry Variant Classification Scheme 2023. Collection method: clinical testing. Allele origin: germline.

NM_178822.5(IGSF10):c.4898A>G (p.Lys1633Arg)

Gene: IGSF10 (immunoglobulin superfamily member 10; minus strand). Cytogenetic location: 3q25.1.
Variant type: single nucleotide variant.
Coding change: c.4898A>G on transcript NM_178822.5 (MANE Select); coding-DNA position 4898, A replaced by G.
Protein change: p.Lys1633Arg; replaces lysine 1633 with arginine.
Molecular consequence: missense variant.
Genome position (GRCh38, 1-based): chr3:151,445,083, T>C on the plus strand (A>G on the coding strand, the complement: IGSF10 is on the minus strand). VCF-style: chr3-151445083-T-C. GRCh37 (hg19) VCF-style: chr3-151162871-T-C.
Other names: c.4898A>G, p.Lys1633Arg (NM_001385060.1, NM_001385061.1, NM_001385062.1 and 1 more transcripts); short protein forms K1633R.
Identifiers: ClinVar variation 2272014 (VCV002272014.3), dbSNP rs187220467, ClinGen allele CA2669881.